The following is an entry in ClinVar:

NM_014159.7(SETD2):c.1984C>A (p.Gln662Lys)

Gene: SETD2 (SET domain containing 2, histone lysine methyltransferase; minus strand). Cytogenetic location: 3p21.31.
Variant type: single nucleotide variant.
Coding change: c.1984C>A on transcript NM_014159.7 (MANE Select); coding-DNA position 1984, C replaced by A.
Protein change: p.Gln662Lys; replaces glutamine 662 with lysine.
Molecular consequence: missense variant. On other transcripts: non-coding transcript variant (1).
Genome position (GRCh38, 1-based): chr3:47,122,652, G>T on the plus strand (C>A on the coding strand, the complement: SETD2 is on the minus strand). VCF-style: chr3-47122652-G-T. GRCh37 (hg19) VCF-style: chr3-47164142-G-T.
Other names: c.1852C>A, p.Gln618Lys (NM_001349370.3); short protein forms Q618K, Q662K.
Identifiers: ClinVar variation 4074848 (VCV004074848.3).
Genomic context (GRCh38, chr3:47,122,652, plus strand): 5'-CAGATTCTGCCCCAGGAGATCCATTTATATTTAATTCTATGGGACAAAAACTTCTTAATT[G>T]ATCATTCTTCACTTTAGATAAAGAGTCTAATTCCTTAATACTATCATGGCTATCATGTGT-3'
Protein context (NP_054878.5, residues 652-672): LDSLSKVKND[Gln662Lys]LRSFCPIELN

ClinVar aggregate classification (germline): Uncertain significance. Review status: criteria provided, multiple submitters, no conflicts (2 of 4 stars). 2 submissions from 2 submitters: Uncertain significance (2). Last evaluated 2026-01-05.

Conditions:
Obesity. Also called: Obesity disorder. Identifiers: Orphanet 71529, MedGen C0028754, MeSH D009765, MONDO:0011122, HP:0001513.

Submissions (2):

GeneDx
Classification: Uncertain significance. Last evaluated: 2026-01-05. Review status: criteria provided, single submitter. Criteria: GeneDx Variant Classification Process June 2021. Collection method: clinical testing. Allele origin: germline.
Comment: Not observed at significant frequency in large population cohorts (gnomAD); In silico analysis suggests that this missense variant does not alter protein structure/function; Has not been previously published as pathogenic or benign to our knowledge

Cambridge Genomics Laboratory, East Genomic Laboratory Hub, NHS Genomic Medicine Service
Classification: Uncertain significance for Obesity. Last evaluated: 2020-03-20. Review status: criteria provided, single submitter. Criteria: ACGS Best Practice Guidelines for Variant Classification in Rare Disease 2020. Collection method: clinical testing. Allele origin: germline. Affected: yes. Observed: 1 variant allele.